The following is an entry in ClinVar:

ClinVar aggregate classification (germline): Likely benign (1 of 4 stars; one submission).

Allele frequency attached by ClinVar (database versions not stated): gnomAD 0.00497 and 0.00516; TOPMed 0.00547; 1000 Genomes Project 0.00779; 1000 Genomes Project 30x 0.00921.
gnomAD v4.1: 1,411 of 1,165,274 alleles (0.12%); highest among the groups gnomAD compares: African/African-American, 1.6%; 10 homozygotes.

Submission:

GeneDx
Classification: Likely benign. Last evaluated: 2021-11-20. Review status: criteria provided, single submitter. Criteria: GeneDx Variant Classification Process June 2021. Collection method: clinical testing. Allele origin: germline. Affected: yes.
Comment: See Variant Classification Assertion Criteria.

NM_004621.6(TRPC6):c.1128+135C>T

Gene: TRPC6 (transient receptor potential cation channel subfamily C member 6; minus strand). Cytogenetic location: 11q22.1.
Variant type: single nucleotide variant.
Coding change: c.1128+135C>T on transcript NM_004621.6 (MANE Select); 135 bases into the intron after coding-DNA position 1128, C replaced by T.
Molecular consequence: intron variant.
Genome position (GRCh38, 1-based): chr11:101,491,421, G>A on the plus strand (C>T on the coding strand, the complement: TRPC6 is on the minus strand). VCF-style: chr11-101491421-G-A. GRCh37 (hg19) VCF-style: chr11-101362152-G-A.
Identifiers: ClinVar variation 1686750 (VCV001686750.2), dbSNP rs138468235, ClinGen allele CA227525141.